The following is an entry in ClinVar:

NM_006180.6(NTRK2):c.1412G>T (p.Gly471Val)

Gene: NTRK2 (neurotrophic receptor tyrosine kinase 2; plus strand). Cytogenetic location: 9q21.33.
Variant type: single nucleotide variant.
Coding change: c.1412G>T on transcript NM_006180.6 (MANE Select); coding-DNA position 1412, G replaced by T.
Protein change: p.Gly471Val; replaces glycine 471 with valine.
Molecular consequence: missense variant. On other transcripts: intron variant (7).
Genome position (GRCh38, 1-based): chr9:84,861,055, G>T. VCF-style: chr9-84861055-G-T. GRCh37 (hg19) VCF-style: chr9-87475970-G-T.
Other names: c.1412G>T, p.Gly471Val (NM_001018065.2, NM_001369537.1); c.944G>T, p.Gly315Val (NM_001369536.1); c.1397-6188G>T (NM_001369532.1, NM_001369533.1, NM_001018066.3 and 2 more transcripts); c.1361-6188G>T (NM_001369534.1); c.929-6188G>T (NM_001369535.1); short protein forms G315V, G471V.
Identifiers: ClinVar variation 3653322 (VCV003653322.2).

ClinVar aggregate classification (germline): Uncertain significance (1 of 4 stars; one submission).

Submission:

Labcorp Genetics (formerly Invitae), Labcorp
Classification: Uncertain significance. Last evaluated: 2024-05-14. Review status: criteria provided, single submitter. Criteria: Invitae Variant Classification Sherloc (09022015). Collection method: clinical testing. Allele origin: germline.
Comment: This sequence change replaces glycine, which is neutral and non-polar, with valine, which is neutral and non-polar, at codon 471 of the NTRK2 protein (p.Gly471Val). This variant is not present in population databases (gnomAD no frequency). This variant has not been reported in the literature in individuals affected with NTRK2-related conditions. An algorithm developed to predict the effect of missense changes on protein structure and function (PolyPhen-2) suggests that this variant is likely to be tolerated. Algorithms developed to predict the effect of sequence changes on RNA splicing suggest that this variant may disrupt the consensus splice site. In summary, the available evidence is currently insufficient to determine the role of this variant in disease. Therefore, it has been classified as a Variant of Uncertain Significance.